The following is an entry in ClinVar:

ClinVar aggregate classification (germline): Uncertain significance (1 of 4 stars; one submission).

Conditions:
Haddad syndrome (OHD). Also called: Ondine-Hirschsprung disease. Identifiers: Orphanet 99803, MedGen C1859049, MONDO:0020493.

Submission:

Labcorp Genetics (formerly Invitae), Labcorp
Classification: Uncertain significance for Haddad syndrome. Last evaluated: 2022-10-11. Review status: criteria provided, single submitter. Criteria: Invitae Variant Classification Sherloc (09022015). Collection method: clinical testing. Allele origin: germline.
Comment: In summary, the available evidence is currently insufficient to determine the role of this variant in disease. Therefore, it has been classified as a Variant of Uncertain Significance. Advanced modeling of protein sequence and biophysical properties (such as structural, functional, and spatial information, amino acid conservation, physicochemical variation, residue mobility, and thermodynamic stability) performed at Invitae indicates that this missense variant is not expected to disrupt PHOX2B protein function. This variant has not been reported in the literature in individuals affected with PHOX2B-related conditions. This variant is not present in population databases (gnomAD no frequency). This sequence change replaces asparagine, which is neutral and polar, with serine, which is neutral and polar, at codon 45 of the PHOX2B protein (p.Asn45Ser).

NM_003924.4(PHOX2B):c.134A>G (p.Asn45Ser)

Genes: PHOX2B (paired like homeobox 2B; minus strand), PHOX2B-AS1 (PHOX2B antisense RNA 1; plus strand). Cytogenetic location: 4p13.
Variant type: single nucleotide variant.
Coding change: c.134A>G on transcript NM_003924.4 (MANE Select); coding-DNA position 134, A replaced by G.
Protein change: p.Asn45Ser; replaces asparagine 45 with serine.
Molecular consequence: missense variant.
Genome position (GRCh38, 1-based): chr4:41,748,477, T>C on the plus strand (A>G on the coding strand, the complement: PHOX2B is on the minus strand). VCF-style: chr4-41748477-T-C. GRCh37 (hg19) VCF-style: chr4-41750494-T-C.
Other names: short protein forms N45S.
Identifiers: ClinVar variation 2163335 (VCV002163335.4), dbSNP rs2552097180, ClinGen allele CA356741006.